The following is an entry in ClinVar:

NM_023935.3(DDRGK1):c.722G>A (p.Arg241His)

Gene: DDRGK1 (DDRGK domain containing 1; minus strand). Cytogenetic location: 20p13.
Variant type: single nucleotide variant.
Coding change: c.722G>A on transcript NM_023935.3 (MANE Select); coding-DNA position 722, G replaced by A.
Protein change: p.Arg241His; replaces arginine 241 with histidine.
Molecular consequence: missense variant.
Genome position (GRCh38, 1-based): chr20:3,191,772, C>T on the plus strand (G>A on the coding strand, the complement: DDRGK1 is on the minus strand). VCF-style: chr20-3191772-C-T. GRCh37 (hg19) VCF-style: chr20-3172418-C-T.
Other names: c.722G>A (NM_023935.1); short protein forms R241H.
Identifiers: ClinVar variation 2417226 (VCV002417226.9), dbSNP rs544094850, ClinGen allele CA9740806.

ClinVar aggregate classification (germline): Uncertain significance. Review status: criteria provided, multiple submitters, no conflicts (2 of 4 stars). 2 submissions from 2 submitters: Uncertain significance (2). Last evaluated 2025-08-06.

Conditions:
Inborn genetic diseases. Identifiers: MedGen C0950123, MeSH D030342.

Allele frequency attached by ClinVar (database versions not stated): gnomAD 0.00007; TOPMed 0.00010; ExAC 0.00012; 1000 Genomes Project 30x 0.00016; 1000 Genomes Project 0.00020.

Submissions (2):

Ambry Genetics
Classification: Uncertain significance for Inborn genetic diseases. Last evaluated: 2025-08-06. Review status: criteria provided, single submitter. Criteria: Ambry Variant Classification Scheme 2023. Collection method: clinical testing. Allele origin: germline.

Labcorp Genetics (formerly Invitae), Labcorp
Classification: Uncertain significance. Last evaluated: 2024-12-02. Review status: criteria provided, single submitter. Criteria: Invitae Variant Classification Sherloc (09022015). Collection method: clinical testing. Allele origin: germline.
Comment: This sequence change replaces arginine, which is basic and polar, with histidine, which is basic and polar, at codon 241 of the DDRGK1 protein (p.Arg241His). This variant is present in population databases (rs544094850, gnomAD 0.04%). This variant has not been reported in the literature in individuals affected with DDRGK1-related conditions. ClinVar contains an entry for this variant (Variation ID: 2417226). An algorithm developed to predict the effect of missense changes on protein structure and function (PolyPhen-2) suggests that this variant is likely to be disruptive. In summary, the available evidence is currently insufficient to determine the role of this variant in disease. Therefore, it has been classified as a Variant of Uncertain Significance.